The following is an entry in ClinVar:

NM_022455.5(NSD1):c.6070C>T (p.Gln2024Ter)

Gene: NSD1 (nuclear receptor binding SET domain protein 1; plus strand). Cytogenetic location: 5q35.3.
Variant type: single nucleotide variant.
Coding change: c.6070C>T on transcript NM_022455.5 (MANE Select); coding-DNA position 6070, C replaced by T.
Protein change: p.Gln2024Ter; replaces glutamine 2024 with a stop codon.
Molecular consequence: nonsense.
Genome position (GRCh38, 1-based): chr5:177,283,847, C>T. VCF-style: chr5-177283847-C-T. GRCh37 (hg19) VCF-style: chr5-176710848-C-T.
Other names: c.5197C>T, p.Gln1733Ter (NM_001409308.1, NM_172349.5, NM_001365684.2); c.6070C>T, p.Gln2024Ter (NM_001409301.1, NM_001409302.1, NM_001409303.1); c.5650C>T, p.Gln1884Ter (NM_001409304.1); c.5317C>T, p.Gln1773Ter (NM_001409305.1); c.5308C>T, p.Gln1770Ter (NM_001409306.1, NM_001409307.1); short protein forms Q2024*, Q1755*, Q1773*, Q1884*, Q1770*, Q1733*.
Identifiers: ClinVar variation 159400 (VCV000159400.10), dbSNP rs587784179, ClinGen allele CA295036.

ClinVar aggregate classification (germline): Pathogenic. Review status: criteria provided, multiple submitters, no conflicts (2 of 4 stars). 4 submissions from 4 submitters: Pathogenic (4). Last evaluated 2024-03-26.

Conditions:
Sotos syndrome (SOTOS). Also called: Distinctive facial appearance, overgrowth in childhood, and learning disabilities or delayed development; CEREBRAL GIGANTISM; Sotos' syndrome; CHROMOSOME 5q35 DELETION SYNDROME; SOTOS SYNDROME 1. Identifiers: Orphanet 821, MedGen C0175695, MONDO:0019349, OMIM 117550.

Submissions (4):

Genomic Medicine Center of Excellence, King Faisal Specialist Hospital and Research Centre
Classification: Pathogenic for Sotos syndrome. Last evaluated: 2024-03-26. Review status: criteria provided, single submitter. Criteria: ACMG Guidelines, 2015. Collection method: clinical testing. Allele origin: germline.

Genome-Nilou Lab
Classification: Pathogenic for Sotos syndrome. Last evaluated: 2021-07-15. Review status: criteria provided, single submitter. Criteria: ACMG Guidelines, 2015. Collection method: clinical testing. Allele origin: germline. Affected: no.

GeneDx
Classification: Pathogenic. Last evaluated: 2017-06-15. Review status: criteria provided, single submitter. Criteria: GeneDx Variant Classification (06012015). Collection method: clinical testing. Allele origin: germline. Affected: yes.
Comment: The Q2024X variant in the NSD1 gene has been reported as pathogenic in ClinVar, but additional evidence is not available (Landrum et al., 2016). This variant is predicted to cause loss of normal protein function either through protein truncation or nonsense-mediated mRNA decay. The Q2024X variant is not observed in large population cohorts (Lek et al., 2016; 1000 Genomes Consortium et al., 2015; Exome Variant Server). The presence of this pathogenic variant is consistent with a diagnosis of Sotos syndrome

Genetic Services Laboratory, University of Chicago
Classification: Pathogenic for Sotos syndrome 1. Last evaluated: 2013-08-21. Review status: criteria provided, single submitter. Criteria: ACMG Guidelines, 2007. Collection method: clinical testing. Allele origin: germline. Inheritance: Autosomal dominant inheritance. Affected: yes.